The following is an entry in ClinVar:

NM_003954.5(MAP3K14):c.1019C>T (p.Ala340Val)

Gene: MAP3K14 (mitogen-activated protein kinase kinase kinase 14; minus strand). Cytogenetic location: 17q21.31.
Variant type: single nucleotide variant.
Coding change: c.1019C>T on transcript NM_003954.5 (MANE Select); coding-DNA position 1019, C replaced by T.
Protein change: p.Ala340Val; replaces alanine 340 with valine.
Molecular consequence: missense variant.
Genome position (GRCh38, 1-based): chr17:45,286,564, G>A on the plus strand (C>T on the coding strand, the complement: MAP3K14 is on the minus strand). VCF-style: chr17-45286564-G-A. GRCh37 (hg19) VCF-style: chr17-43363931-G-A.
Other names: short protein forms A340V.
Identifiers: ClinVar variation 1412939 (VCV001412939.6), dbSNP rs2143819783, ClinGen allele CA399887709.

ClinVar aggregate classification (germline): Uncertain significance (1 of 4 stars; one submission).

Conditions:
NIK deficiency. Also called: Primary immunodeficiency with multifaceted aberrant lymphoid immunity. Identifiers: Orphanet 447731, MedGen C5680065, MONDO:0018642.

Submission:

Labcorp Genetics (formerly Invitae), Labcorp
Classification: Uncertain significance for NIK deficiency. Last evaluated: 2022-09-12. Review status: criteria provided, single submitter. Criteria: Invitae Variant Classification Sherloc (09022015). Collection method: clinical testing. Allele origin: germline.
Comment: This sequence change replaces alanine, which is neutral and non-polar, with valine, which is neutral and non-polar, at codon 340 of the MAP3K14 protein (p.Ala340Val). In summary, the available evidence is currently insufficient to determine the role of this variant in disease. Therefore, it has been classified as a Variant of Uncertain Significance. Experimental studies and prediction algorithms are not available or were not evaluated, and the functional significance of this variant is currently unknown. ClinVar contains an entry for this variant (Variation ID: 1412939). This variant has not been reported in the literature in individuals affected with MAP3K14-related conditions. This variant is not present in population databases (gnomAD no frequency).